The following is an entry in ClinVar:

ClinVar aggregate classification (germline): Uncertain significance. Review status: criteria provided, multiple submitters, no conflicts (2 of 4 stars). 2 submissions from 2 submitters: Uncertain significance (2). Last evaluated 2024-08-09.

Conditions:
Ataxia-telangiectasia-like disorder (ATLD). Identifiers: MedGen C1858391, MONDO:0011457.
Hereditary cancer-predisposing syndrome. Also called: Hereditary neoplastic syndrome; Neoplastic Syndromes, Hereditary; Tumor predisposition; Hereditary Cancer Syndrome. Identifiers: Orphanet 140162, MedGen C0027672, MeSH D009386, MONDO:0015356.

Allele frequency attached by ClinVar (database versions not stated): gnomAD exomes below 0.00001; gnomAD 0.00001.
gnomAD v4.1: 2 of 1,611,204 alleles (0.00012%); highest among the groups gnomAD compares: African/African-American, 0.0013%; no homozygotes.

Submissions (2):

Ambry Genetics
Classification: Uncertain significance for Hereditary cancer-predisposing syndrome. Last evaluated: 2024-08-09. Review status: criteria provided, single submitter. Criteria: Ambry Variant Classification Scheme 2023. Collection method: clinical testing. Allele origin: germline.
Comment: The p.S225N variant (also known as c.674G>A), located in coding exon 7 of the MRE11A gene, results from a G to A substitution at nucleotide position 674. The serine at codon 225 is replaced by asparagine, an amino acid with highly similar properties. This amino acid position is not well conserved in available vertebrate species. In addition, this alteration is predicted to be tolerated by in silico analysis. Based on the available evidence, the clinical significance of this variant remains unclear.

Labcorp Genetics (formerly Invitae), Labcorp
Classification: Uncertain significance for Ataxia-telangiectasia-like disorder. Last evaluated: 2020-11-10. Review status: criteria provided, single submitter. Criteria: Invitae Variant Classification Sherloc (09022015). Collection method: clinical testing. Allele origin: germline.
Comment: In summary, the available evidence is currently insufficient to determine the role of this variant in disease. Therefore, it has been classified as a Variant of Uncertain Significance. Algorithms developed to predict the effect of missense changes on protein structure and function output the following: SIFT: "Tolerated"; PolyPhen-2: "Benign"; Align-GVGD: "Class C0". The asparagine amino acid residue is found in multiple mammalian species, suggesting that this missense change does not adversely affect protein function. These predictions have not been confirmed by published functional studies and their clinical significance is uncertain. This variant has not been reported in the literature in individuals with MRE11-related conditions. This variant is not present in population databases (ExAC no frequency). This sequence change replaces serine with asparagine at codon 225 of the MRE11 protein (p.Ser225Asn). The serine residue is weakly conserved and there is a small physicochemical difference between serine and asparagine.

NM_005591.4(MRE11):c.674G>A (p.Ser225Asn)

Gene: MRE11 (MRE11 double strand break repair nuclease; minus strand). Cytogenetic location: 11q21.
Variant type: single nucleotide variant.
Coding change: c.674G>A on transcript NM_005591.4 (MANE Select); coding-DNA position 674, G replaced by A.
Protein change: p.Ser225Asn; replaces serine 225 with asparagine.
Molecular consequence: missense variant.
Genome position (GRCh38, 1-based): chr11:94,471,745, C>T on the plus strand (G>A on the coding strand, the complement: MRE11 is on the minus strand). VCF-style: chr11-94471745-C-T. GRCh37 (hg19) VCF-style: chr11-94204911-C-T.
Other names: c.674G>A, p.Ser225Asn (NM_001330347.2, NM_005590.4); c.674G>A (NM_005591.3); short protein forms S225N.
Identifiers: ClinVar variation 1681609 (VCV001681609.9), dbSNP rs1418567615, ClinGen allele CA382375934.